The following is an entry in ClinVar:

ClinVar aggregate classification (germline): Uncertain significance (1 of 4 stars; one submission).

Conditions:
Baller-Gerold syndrome (BGS). Also called: CRANIOSYNOSTOSIS WITH RADIAL DEFECTS. Identifiers: Orphanet 1225, MedGen C0265308, MONDO:0009039, OMIM 218600.

Submission:

Labcorp Genetics (formerly Invitae), Labcorp
Classification: Uncertain significance for Baller-Gerold syndrome. Last evaluated: 2022-07-29. Review status: criteria provided, single submitter. Criteria: Invitae Variant Classification Sherloc (09022015). Collection method: clinical testing. Allele origin: germline.
Comment: In summary, the available evidence is currently insufficient to determine the role of this variant in disease. Therefore, it has been classified as a Variant of Uncertain Significance. Experimental studies and prediction algorithms are not available or were not evaluated, and the functional significance of this variant is currently unknown. This variant has not been reported in the literature in individuals affected with RECQL4-related conditions. This variant is not present in population databases (gnomAD no frequency). This sequence change replaces lysine, which is basic and polar, with glutamic acid, which is acidic and polar, at codon 991 of the RECQL4 protein (p.Lys991Glu).

NM_004260.4(RECQL4):c.2971A>G (p.Lys991Glu)

Gene: RECQL4 (RecQ like helicase 4; minus strand). Cytogenetic location: 8q24.3.
Variant type: single nucleotide variant.
Coding change: c.2971A>G on transcript NM_004260.4 (MANE Select); coding-DNA position 2971, A replaced by G.
Protein change: p.Lys991Glu; replaces lysine 991 with glutamic acid.
Molecular consequence: missense variant.
Genome position (GRCh38, 1-based): chr8:144,512,476, T>C on the plus strand (A>G on the coding strand, the complement: RECQL4 is on the minus strand). VCF-style: chr8-144512476-T-C. GRCh37 (hg19) VCF-style: chr8-145737859-T-C.
Other names: c.2677A>G, p.Lys893Glu (NM_001413017.1); c.2773A>G, p.Lys925Glu (NM_001413018.1); c.3046A>G, p.Lys1016Glu (NM_001413019.1); c.2875A>G, p.Lys959Glu (NM_001413020.1); c.1900A>G, p.Lys634Glu (NM_001413021.1, NM_001413022.1, NM_001413024.1 and 4 more transcripts); c.1975A>G, p.Lys659Glu (NM_001413023.1); c.2842A>G, p.Lys948Glu (NM_001413025.1); c.1834A>G, p.Lys612Glu (NM_001413027.1, NM_001413030.1, NM_001413032.1); and 9 more; short protein forms K1016E, K502E, K568E, K590E, K612E, K624E, K634E, K637E.
Identifiers: ClinVar variation 1714288 (VCV001714288.5), dbSNP rs2537986025, ClinGen allele CA372673046.